The following is an entry in ClinVar:

NM_000222.3(KIT):c.340C>T (p.Pro114Ser)

Gene: KIT (KIT proto-oncogene, receptor tyrosine kinase; plus strand). Cytogenetic location: 4q12.
Variant type: single nucleotide variant.
Coding change: c.340C>T on transcript NM_000222.3 (MANE Select); coding-DNA position 340, C replaced by T.
Protein change: p.Pro114Ser; replaces proline 114 with serine.
Molecular consequence: missense variant.
Genome position (GRCh38, 1-based): chr4:54,698,286, C>T. VCF-style: chr4-54698286-C-T. GRCh37 (hg19) VCF-style: chr4-55564452-C-T.
Other names: c.340C>T, p.Pro114Ser (NM_001093772.2, NM_001385284.1, NM_001385285.1 and 4 more transcripts); short protein forms P114S.
Identifiers: ClinVar variation 4043759 (VCV004043759.1).

ClinVar aggregate classification (germline): Uncertain significance (1 of 4 stars; one submission).

Conditions:
Hereditary cancer-predisposing syndrome. Also called: Neoplastic Syndromes, Hereditary; Tumor predisposition; Hereditary neoplastic syndrome; Hereditary Cancer Syndrome. Identifiers: Orphanet 140162, MedGen C0027672, MeSH D009386, MONDO:0015356.

Submission:

Ambry Genetics
Classification: Uncertain significance for Hereditary cancer-predisposing syndrome. Last evaluated: 2025-04-29. Review status: criteria provided, single submitter. Criteria: Ambry Variant Classification Scheme 2023. Collection method: clinical testing. Allele origin: germline.
Comment: The p.P114S variant (also known as c.340C>T), located in coding exon 3 of the KIT gene, results from a C to T substitution at nucleotide position 340. The proline at codon 114 is replaced by serine, an amino acid with similar properties. This amino acid position is conserved. In addition, the in silico prediction for this alteration is inconclusive. Based on the available evidence, the clinical significance of this variant remains unclear.